The following is an entry in ClinVar:

NM_001122630.2(CDKN1C):c.268C>T (p.Arg90Cys)

Gene: CDKN1C (cyclin dependent kinase inhibitor 1C; minus strand). Cytogenetic location: 11p15.4.
Variant type: single nucleotide variant.
Coding change: c.268C>T on transcript NM_001122630.2 (MANE Select); coding-DNA position 268, C replaced by T.
Protein change: p.Arg90Cys; replaces arginine 90 with cysteine.
Molecular consequence: missense variant. On other transcripts: intron variant (1).
Genome position (GRCh38, 1-based): chr11:2,885,189, G>A on the plus strand (C>T on the coding strand, the complement: CDKN1C is on the minus strand). VCF-style: chr11-2885189-G-A. GRCh37 (hg19) VCF-style: chr11-2906419-G-A.
Other names: c.301C>T, p.Arg101Cys (NM_000076.2, NM_001362474.2); c.268C>T, p.Arg90Cys (NM_001122631.2); c.255+13C>T (NM_001362475.2); short protein forms R90C, R101C.
Identifiers: ClinVar variation 1478735 (VCV001478735.6), dbSNP rs1303693319, ClinGen allele CA379147015.
Genomic context (GRCh38, chr11:2,885,189, plus strand): 5'-GCTCGAGGGGCGGGCTGACAGCCACCGCGACCGCGACGGGCCGCGGCGCCAGCAGCAGGC[G>A]GCAGCGCCCCACCTGCACCGTCTCGCGGTAGAACGCGGGCACCGAGTCGCTGTCCACTTC-3'
Protein context (NP_001116102.1, residues 80-100): YRETVQVGRC[Arg90Cys]LLLAPRPVAV

ClinVar aggregate classification (germline): Uncertain significance (1 of 4 stars; one submission).

Conditions:
Beckwith-Wiedemann syndrome (BWS). Also called: Exomphalos macroglossia gigantism syndrome; EMG SYNDROME. Identifiers: Orphanet 116, MedGen C0004903, MONDO:0007534, OMIM 130650.

Submission:

Labcorp Genetics (formerly Invitae), Labcorp
Classification: Uncertain significance for Beckwith-Wiedemann syndrome. Last evaluated: 2023-04-06. Review status: criteria provided, single submitter. Criteria: Invitae Variant Classification Sherloc (09022015). Collection method: clinical testing. Allele origin: germline.
Comment: In summary, the available evidence is currently insufficient to determine the role of this variant in disease. Therefore, it has been classified as a Variant of Uncertain Significance. Advanced modeling of protein sequence and biophysical properties (such as structural, functional, and spatial information, amino acid conservation, physicochemical variation, residue mobility, and thermodynamic stability) performed at Invitae indicates that this missense variant is not expected to disrupt CDKN1C protein function. ClinVar contains an entry for this variant (Variation ID: 1478735). This variant has not been reported in the literature in individuals affected with CDKN1C-related conditions. This variant is not present in population databases (gnomAD no frequency). This sequence change replaces arginine, which is basic and polar, with cysteine, which is neutral and slightly polar, at codon 101 of the CDKN1C protein (p.Arg101Cys).